The following is an entry in ClinVar:

ClinVar aggregate classification (germline): Uncertain significance (1 of 4 stars; one submission).

Submission:

GeneDx
Classification: Uncertain significance. Last evaluated: 2025-06-23. Review status: criteria provided, single submitter. Criteria: GeneDx Variant Classification Process June 2021. Collection method: clinical testing. Allele origin: germline. Affected: yes.
Comment: In silico analysis suggests that this missense variant does not alter protein structure/function; Has not been previously published as pathogenic or benign to our knowledge

NM_004667.6(HERC2):c.11116G>A (p.Val3706Ile)

Gene: HERC2 (HECT and RLD domain containing E3 ubiquitin protein ligase 2; minus strand). Cytogenetic location: 15q13.1.
Variant type: single nucleotide variant.
Coding change: c.11116G>A on transcript NM_004667.6 (MANE Select); coding-DNA position 11116, G replaced by A.
Protein change: p.Val3706Ile; replaces valine 3706 with isoleucine.
Molecular consequence: missense variant.
Genome position (GRCh38, 1-based): chr15:28,144,697, C>T on the plus strand (G>A on the coding strand, the complement: HERC2 is on the minus strand). VCF-style: chr15-28144697-C-T. GRCh37 (hg19) VCF-style: chr15-28389843-C-T.
Other names: short protein forms V3706I.
Identifiers: ClinVar variation 4540103 (VCV004540103.1).